The following is an entry in ClinVar:

ClinVar aggregate classification (germline): Uncertain significance (1 of 4 stars; one submission).

Conditions:
BBS9-related disorder. Also called: BBS9-related condition.

gnomAD v4.1: 1 of 1,613,766 alleles (0.000062%); highest among the groups gnomAD compares: Non-Finnish European, 0.000085%; no homozygotes.

Submission:

PreventionGenetics, part of Exact Sciences
Classification: Uncertain significance for BBS9-related condition. Last evaluated: 2025-08-07. Review status: criteria provided, single submitter. Criteria: ACMG Guidelines, 2015. Collection method: clinical testing. Allele origin: germline.
Comment: The BBS9 c.2572C>G variant is predicted to result in the amino acid substitution p.Gln858Glu. To our knowledge, this variant has not been reported in the literature or in a large population database (gnomAD), indicating this variant is rare. At this time, the clinical significance of this variant is uncertain due to the absence of conclusive functional and genetic evidence.

NM_198428.3(BBS9):c.2572C>G (p.Gln858Glu)

Gene: BBS9 (Bardet-Biedl syndrome 9; plus strand). Cytogenetic location: 7p14.3.
Variant type: single nucleotide variant.
Coding change: c.2572C>G on transcript NM_198428.3 (MANE Select); coding-DNA position 2572, C replaced by G.
Protein change: p.Gln858Glu; replaces glutamine 858 with glutamic acid.
Molecular consequence: missense variant. On other transcripts: non-coding transcript variant (3), intron variant (1).
Genome position (GRCh38, 1-based): chr7:33,604,915, C>G. VCF-style: chr7-33604915-C-G. GRCh37 (hg19) VCF-style: chr7-33644527-C-G.
Other names: c.2467C>G, p.Gln823Glu (NM_001033604.2); c.2557C>G, p.Gln853Glu (NM_001033605.2); c.2572C>G, p.Gln858Glu (NM_001348036.1, NM_001348041.4, NM_001348043.3); c.2023C>G, p.Gln675Glu (NM_001348037.3); c.2299C>G, p.Gln767Glu (NM_001348038.3); c.2194C>G, p.Gln732Glu (NM_001348039.3); c.2452C>G, p.Gln818Glu (NM_001348040.3, NM_014451.4); c.2437C>G, p.Gln813Glu (NM_001348042.3); and 3 more; short protein forms Q732E, Q823E, Q858E, Q675E, Q701E, Q818E, Q736E, Q853E.
Identifiers: ClinVar variation 4998655 (VCV004998655.1).
Genomic context (GRCh38, chr7:33,604,915, plus strand): 5'-TTTCAACTAGGTGGTTGTACTACAATCCCAGAGTCAGACCTAGAAGAAAGATCAGTAGAA[C>G]AAGACTCTACAGAACTGTTTACCAACCACAGACATCTCACTGCAGAGACACCCAGGCCTG-3'
Protein context (NP_940820.1, residues 848-868): ESDLEERSVE[Gln858Glu]DSTELFTNHR